The following is an entry in ClinVar:

NM_000038.6(APC):c.[5026A>G;7399C>A]

Variant type: Haplotype.
Identifiers: ClinVar variation 3063816 (VCV003063816.1).

ClinVar aggregate classification (germline): Benign (1 of 4 stars; one submission).

Submission:

Women's Health and Genetics/Laboratory Corporation of America, LabCorp
Classification: Benign. Last evaluated: 2024-01-09. Review status: criteria provided, single submitter. Criteria: LabCorp Variant Classification Summary - May 2015. Collection method: clinical testing. Allele origin: germline.
Comment: Variant summary: APC c.[5026A>G;7399C>A] (p.[Arg1676Gly;Pro2467Thr]) variant is a complex allele and involves the alteration of multiple nucleotides. The variant allele was found at a frequency of 0.00012 in 251108 control chromosomes. The observed variant frequency is approximately 2 fold of the estimated maximal expected allele frequency for a pathogenic variant in APC causing Familial Adenomatous Polyposis phenotype (7.1e-05), strongly suggesting that the variant is benign. c.[5026A>G;7399C>A] has been reported in the literature in individuals affected with Familial Adenomatous Polyposis or related disorders. These report(s) do not provide unequivocal conclusions about association of the variant with Familial Adenomatous Polyposis. To our knowledge, no experimental evidence demonstrating an impact on protein function has been reported. The following publications have been ascertained in the context of this evaluation (PMID: 18199528, 25980754, 25142776). No submitters have cited clinical-significance assessments for this variant to ClinVar. Based on the evidence outlined above, the variant was classified as benign.

Literature cited by the submitters: PubMed 18199528; PubMed 25980754; PubMed 25142776.